The following is an entry in ClinVar:

ClinVar aggregate classification (germline): Pathogenic/Likely pathogenic. Review status: criteria provided, multiple submitters, no conflicts (2 of 4 stars). 2 submissions from 2 submitters: Pathogenic (1); Likely pathogenic (1). Last evaluated 2024-03-04.

Conditions:
Werner syndrome (WRN). Identifiers: Orphanet 902, MedGen C0043119, MONDO:0010196, OMIM 277700.

Submissions (2):

Baylor Genetics
Classification: Likely pathogenic for Werner syndrome. Last evaluated: 2024-03-04. Review status: criteria provided, single submitter. Criteria: ACMG Guidelines, 2015. Collection method: clinical testing. Allele origin: unknown.

Labcorp Genetics (formerly Invitae), Labcorp
Classification: Pathogenic for Werner syndrome. Last evaluated: 2018-12-19. Review status: criteria provided, single submitter. Criteria: Invitae Variant Classification Sherloc (09022015). Collection method: clinical testing. Allele origin: germline.
Comment: For these reasons, this variant has been classified as Pathogenic. Loss-of-function variants in WRN are known to be pathogenic (PMID: 16673358). This variant has not been reported in the literature in individuals with WRN-related disease. This variant is not present in population databases (ExAC no frequency). This sequence change creates a premature translational stop signal (p.Tyr998*) in the WRN gene. It is expected to result in an absent or disrupted protein product.

Literature cited by the submitters: PubMed 16673358 (cited by Labcorp Genetics (formerly Invitae), Labcorp).

NM_000553.6(WRN):c.2994T>A (p.Tyr998Ter)

Gene: WRN (WRN RecQ like helicase; plus strand). Cytogenetic location: 8p12.
Variant type: single nucleotide variant.
Coding change: c.2994T>A on transcript NM_000553.6 (MANE Select); coding-DNA position 2994, T replaced by A.
Protein change: p.Tyr998Ter; replaces tyrosine 998 with a stop codon.
Molecular consequence: nonsense.
Genome position (GRCh38, 1-based): chr8:31,141,456, T>A. VCF-style: chr8-31141456-T-A. GRCh37 (hg19) VCF-style: chr8-30998972-T-A.
Other names: short protein forms Y998*.
Identifiers: ClinVar variation 582165 (VCV000582165.7), dbSNP rs1563376347, ClinGen allele CA370921755.